The following is an entry in ClinVar:

ClinVar aggregate classification (germline): Conflicting classifications of pathogenicity. Review status: criteria provided, conflicting classifications (1 of 4 stars). 2 submissions from 2 submitters: Uncertain significance (1); Benign (1). Last evaluated 2025-09-08.

Conditions:
Hereditary cancer-predisposing syndrome. Also called: Hereditary neoplastic syndrome; Neoplastic Syndromes, Hereditary; Tumor predisposition; Hereditary Cancer Syndrome. Identifiers: Orphanet 140162, MedGen C0027672, MeSH D009386, MONDO:0015356.
Tuberous sclerosis 2 (TSC2). Identifiers: Orphanet 805, MedGen C1860707, MONDO:0013199, OMIM 613254.

Allele frequency attached by ClinVar (database versions not stated): TOPMed below 0.00001; gnomAD 0.00001.
gnomAD v4.1: 2 of 1,613,044 alleles (0.00012%); highest among the groups gnomAD compares: Non-Finnish European, 0.00017%; no homozygotes.

Submissions (2):

Labcorp Genetics (formerly Invitae), Labcorp
Classification: Benign for Tuberous sclerosis 2. Last evaluated: 2025-09-08. Review status: criteria provided, single submitter. Criteria: Invitae Variant Classification Sherloc (09022015). Collection method: clinical testing. Allele origin: germline.

Ambry Genetics
Classification: Uncertain significance for Hereditary cancer-predisposing syndrome. Last evaluated: 2024-10-25. Review status: criteria provided, single submitter. Criteria: Ambry Variant Classification Scheme 2023. Collection method: clinical testing. Allele origin: germline.
Comment: The p.P816A variant (also known as c.2446C>G), located in coding exon 21 of the TSC2 gene, results from a C to G substitution at nucleotide position 2446. The proline at codon 816 is replaced by alanine, an amino acid with highly similar properties. This amino acid position is highly conserved in available vertebrate species. In addition, this alteration is predicted to be deleterious by in silico analysis. Based on the available evidence, the clinical significance of this variant remains unclear.

NM_000548.5(TSC2):c.2446C>G (p.Pro816Ala)

Gene: TSC2 (TSC complex subunit 2; plus strand). Cytogenetic location: 16p13.3.
Variant type: single nucleotide variant.
Coding change: c.2446C>G on transcript NM_000548.5 (MANE Select); coding-DNA position 2446, C replaced by G.
Protein change: p.Pro816Ala; replaces proline 816 with alanine.
Molecular consequence: missense variant.
Genome position (GRCh38, 1-based): chr16:2,074,290, C>G. VCF-style: chr16-2074290-C-G. GRCh37 (hg19) VCF-style: chr16-2124291-C-G.
Other names: c.2446C>G, p.Pro816Ala (NM_001077183.3, NM_001114382.3, NM_001363528.2 and 3 more transcripts); c.2335C>G, p.Pro779Ala (NM_001318827.2); c.2299C>G, p.Pro767Ala (NM_001318829.2); c.1846C>G, p.Pro616Ala (NM_001318831.2); c.2479C>G, p.Pro827Ala (NM_001318832.2); short protein forms P816A, P827A, P616A, P779A, P767A.
Identifiers: ClinVar variation 467943 (VCV000467943.9), dbSNP rs760265207, ClinGen allele CA394277438.